The following is an entry in ClinVar:

ClinVar aggregate classification (germline): Uncertain significance (1 of 4 stars; one submission).

Submission:

Labcorp Genetics (formerly Invitae), Labcorp
Classification: Uncertain significance. Last evaluated: 2022-06-20. Review status: criteria provided, single submitter. Criteria: Invitae Variant Classification Sherloc (09022015). Collection method: clinical testing. Allele origin: germline.
Comment: This sequence change replaces asparagine, which is neutral and polar, with aspartic acid, which is acidic and polar, at codon 2 of the ASRGL1 protein (p.Asn2Asp). In summary, the available evidence is currently insufficient to determine the role of this variant in disease. Therefore, it has been classified as a Variant of Uncertain Significance. Algorithms developed to predict the effect of missense changes on protein structure and function (SIFT, PolyPhen-2, Align-GVGD) all suggest that this variant is likely to be tolerated. This variant has not been reported in the literature in individuals affected with ASRGL1-related conditions. This variant is not present in population databases (gnomAD no frequency).

NM_001083926.2(ASRGL1):c.4A>G (p.Asn2Asp)

Gene: ASRGL1 (asparaginase and isoaspartyl peptidase 1; plus strand). Cytogenetic location: 11q12.3.
Variant type: single nucleotide variant.
Coding change: c.4A>G on transcript NM_001083926.2 (MANE Select); coding-DNA position 4, A replaced by G.
Protein change: p.Asn2Asp; replaces asparagine 2 with aspartic acid.
Molecular consequence: missense variant.
Genome position (GRCh38, 1-based): chr11:62,337,981, A>G. VCF-style: chr11-62337981-A-G. GRCh37 (hg19) VCF-style: chr11-62105453-A-G.
Other names: c.4A>G, p.Asn2Asp (NM_025080.4); short protein forms N2D.
Identifiers: ClinVar variation 1524500 (VCV001524500.8), dbSNP rs2134555728, ClinGen allele CA380863109.